The following is an entry in ClinVar:

ClinVar aggregate classification (germline): Pathogenic. Review status: criteria provided, single submitter (1 of 4 stars). 4 submissions from 4 submitters: Pathogenic (1). 3 of the submissions do not count toward it. Last evaluated 2021-08-18.

Conditions:
Charcot-Marie-Tooth disease type 4. Also called: Charcot-Marie-Tooth disease, type IV; Charcot-Marie-Tooth, Type 4. Identifiers: Orphanet 64749, MedGen C4082197, MONDO:0018995.
Charcot-Marie-Tooth disease. Also called: Charcot-Marie-Tooth Neuropathy; Charcot-Marie-Tooth Hereditary Neuropathy. Identifiers: Orphanet 166, MedGen C0007959, MONDO:0015626.
Charcot-Marie-Tooth disease type 4J (CMT4J). Also called: CHARCOT-MARIE-TOOTH DISEASE, DEMYELINATING, TYPE 4J; Charcot-Marie-Tooth Neuropathy Type 4J; CHARCOT-MARIE-TOOTH DISEASE, AUTOSOMAL RECESSIVE, TYPE 4J. Identifiers: Orphanet 139515, MedGen C1970011, MONDO:0012640, OMIM 611228.

Allele frequency attached by ClinVar (database versions not stated): TOPMed below 0.00001; gnomAD 0.00001.

Submissions (4):

Labcorp Genetics (formerly Invitae), Labcorp
Classification: Pathogenic for Charcot-Marie-Tooth disease type 4. Last evaluated: 2021-08-18. Review status: criteria provided, single submitter. Criteria: Invitae Variant Classification Sherloc (09022015). Collection method: clinical testing. Allele origin: germline.
Comment: For these reasons, this variant has been classified as Pathogenic. ClinVar contains an entry for this variant (Variation ID: 1724). This premature translational stop signal has been observed in individual(s) with Charcot-Marie-Tooth disease (PMID: 17572665). This variant is not present in population databases (ExAC no frequency). This sequence change creates a premature translational stop signal (p.Asp348Glyfs*12) in the FIG4 gene. It is expected to result in an absent or disrupted protein product. Loss-of-function variants in FIG4 are known to be pathogenic (PMID: 23623387).

Inherited Neuropathy Consortium Ii, University Of Miami
Classification: Uncertain significance for Charcot-Marie-Tooth disease type 4J. Last evaluated: 2016-01-06. Review status: no assertion criteria provided. Collection method: literature only. Allele origin: germline. Affected: yes. Not counted in ClinVar's aggregate classification.

OMIM
Classification: Pathogenic for CHARCOT-MARIE-TOOTH DISEASE, DEMYELINATING, TYPE 4J. Last evaluated: 2007-07-05. Review status: no assertion criteria provided. Collection method: literature only. Allele origin: germline. Not counted in ClinVar's aggregate classification.

Inherited Neuropathy Consortium
Classification: Uncertain significance for Charcot-Marie-Tooth disease. Review status: no assertion criteria provided. Collection method: literature only. Allele origin: germline. Affected: yes. Not counted in ClinVar's aggregate classification.

Literature cited by the submitters: PubMed 17572665 (cited by 4 submitters); PubMed 23623387 (cited by Labcorp Genetics (formerly Invitae), Labcorp).

NM_014845.6(FIG4):c.1043_1050del (p.Asp348fs)

Gene: FIG4 (FIG4 phosphoinositide 5-phosphatase; plus strand). Cytogenetic location: 6q21.
Variant type: Deletion.
Coding change: c.1043_1050del on transcript NM_014845.6 (MANE Select); coding-DNA positions 1043 to 1050, 8 bases deleted (ATCAGGCA; older notation c.1043_1050delATCAGGCA).
Protein change: p.Asp348fs; shifts the reading frame from aspartic acid 348.
Molecular consequence: frameshift variant.
Genome position (GRCh38, 1-based): chr6:109,743,678-109,743,685, ATCAGGCA deleted. VCF-style (leftmost placement, unchanged base first): chr6-109743677-GATCAGGCA-G. GRCh37 (hg19) VCF-style: chr6-110064880-GATCAGGCA-G.
Other names: c.1043_1050delATCAGGCA (NM_014845.5); short protein forms D348fs.
Identifiers: ClinVar variation 1724 (VCV000001724.9), dbSNP rs1368013631, ClinGen allele CA817091066.
Genomic context (GRCh38, chr6:109,743,677, plus strand): 5'-CTTTTATTTTGCTTTGCAATTTTCATTCAGGTGCTTTTTCATCTTTTTTCCTTCTCAGTG[GATCAGGCA>G]GATCCATTTGCACATGTGGCTGCCCTTCACTTTGACCAGATGTTCCAGAGGTTTGGCTCT-3'